The following is an entry in ClinVar:

ClinVar aggregate classification (germline): Conflicting classifications of pathogenicity. Review status: criteria provided, conflicting classifications (1 of 4 stars). 4 submissions from 4 submitters: Pathogenic (1); Uncertain significance (3). Last evaluated 2022-07-12.

Conditions:
Charcot-Marie-Tooth disease type 2. Also called: Charcot-Marie-Tooth type 2. Identifiers: Orphanet 64746, MedGen C0270914, MONDO:0018993.
Tip-toe gait. Also called: Toe walking. Identifiers: MedGen C0427144, HP:0030051.
Charcot-Marie-Tooth disease. Also called: Charcot-Marie-Tooth Hereditary Neuropathy; Charcot-Marie-Tooth Neuropathy. Identifiers: Orphanet 166, MedGen C0007959, MONDO:0015626.

Allele frequency attached by ClinVar (database versions not stated): ESP Exome Variant Server 0.00008; gnomAD exomes 0.00009 and 0.00013; TOPMed 0.00012; ExAC 0.00013; gnomAD 0.00014.
gnomAD v4.1: 211 of 1,611,932 alleles (0.013%); highest among the groups gnomAD compares: Non-Finnish European, 0.017%; no homozygotes.

Submissions (4):

Labcorp Genetics (formerly Invitae), Labcorp
Classification: Uncertain significance for Charcot-Marie-Tooth disease type 2. Last evaluated: 2022-07-12. Review status: criteria provided, single submitter. Criteria: Invitae Variant Classification Sherloc (09022015). Collection method: clinical testing. Allele origin: germline.
Comment: This sequence change replaces proline, which is neutral and non-polar, with threonine, which is neutral and polar, at codon 656 of the MED25 protein (p.Pro656Thr). This variant is present in population databases (rs199761611, gnomAD 0.02%). This missense change has been observed in individual(s) with Charcot-Marie-Tooth disease (PMID: 26257172, 30039206). ClinVar contains an entry for this variant (Variation ID: 329887). Algorithms developed to predict the effect of missense changes on protein structure and function are either unavailable or do not agree on the potential impact of this missense change (SIFT: "Deleterious"; PolyPhen-2: "Possibly Damaging"; Align-GVGD: "Class C0"). In summary, the available evidence is currently insufficient to determine the role of this variant in disease. Therefore, it has been classified as a Variant of Uncertain Significance.

Practice for Gait Abnormalities, David Pomarino, Competency Network Toe Walking C/o Practice Pomarino
Classification: Pathogenic for Tip-toe gait. Last evaluated: 2022-01-11. Review status: criteria provided, single submitter. Criteria: ACMG Guidelines, 2015. Collection method: clinical testing. Allele origin: germline. Affected: yes.
Comment: In the molecular genetic analysis, the variant c.1966C>A p. (Pro656Thr) can be detected. The amino acid substitution is in a region responsible for binding of the retinoic acid receptor. The variant has been mentioned in the literature in connection with Charcot-Marie-Tooth disease [Gonzaga-Jauregui (2015) Cell Rep 12: 1169]. The authors describe a patient in whom the above variant in combination with a second heterozygous MED25 variant (c.1004C>T p.(Ala335Val)) was detected. However, the rating was the second variant Ala335Val was later withdrawn by the authors as a "causal pathogen" in another family with frequent occurrence of CMT [Leal (2018) Neurogenetics 19: 215]. Hereditary motor sensory neuropathy (HMSN), also known as Charcot-Marie-Tooth Disease (CMT), is the most commonly inherited peripheral polyneuropathy. It constitutes a group of inherited, progressive, motor and sensory peripheral nerve disorders with properties of demyelination, axonal degeneration, or both. It is classified by clinical characteristics, modes of inheritance, electrophysiologic features, metabolic defects, and specific gene markers. Our patients all walk on tiptoe, so they show similar symptoms. When we genetically test them with our toe walking panel, we find that around 90 per cent of them have a genetic variant that explains their toe walking. These can be assigned, for example, to the area of myopathies (such as variants of the COL6A3 gene), the area of hereditary neuropathies (such as variants of the KMT2C gene) or the area of metabolic diseases (such as variants of the PYGM gene). In a smaller group of patients with almost identical symptoms, no abnormality is found in the genes of our panel, but spastic paraplegia can be detected. In another small group of our toe walkers, no abnormalities can be detected in the genes analysed in our toe walking panel, nor do they suffer from spastic paraplegia, as is also the case with healthy children. In contrast to these, however, they show a tiptoe gait. These patients suffer from infantile cerebral palsy, in which toe walking can also be observed.

CeGaT Center for Human Genetics Tuebingen
Classification: Uncertain significance. Last evaluated: 2017-12-01. Review status: criteria provided, single submitter. Criteria: CeGaT Center For Human Genetics Tuebingen Variant Classification Criteria Version 2. Collection method: clinical testing. Allele origin: germline. Affected: yes. Observed: 1 variant allele.

Molecular Genetics Laboratory, London Health Sciences Centre
Classification: Uncertain significance for Charcot-Marie-Tooth disease. Review status: criteria provided, single submitter. Criteria: ACMG Guidelines, 2015. Collection method: clinical testing. Allele origin: germline. Affected: yes.

Literature cited by the submitters: PubMed 26257172 (cited by Labcorp Genetics (formerly Invitae), Labcorp); PubMed 30039206 (cited by Labcorp Genetics (formerly Invitae), Labcorp); PubMed 37091313 (cited by Practice for Gait Abnormalities, David Pomarino, Competency Network Toe Walking C/o Practice Pomarino).

NM_030973.4(MED25):c.1966C>A (p.Pro656Thr)

Gene: MED25 (mediator complex subunit 25; plus strand). Cytogenetic location: 19q13.33.
Variant type: single nucleotide variant.
Coding change: c.1966C>A on transcript NM_030973.4 (MANE Select); coding-DNA position 1966, C replaced by A.
Protein change: p.Pro656Thr; replaces proline 656 with threonine.
Molecular consequence: missense variant.
Genome position (GRCh38, 1-based): chr19:49,836,226, C>A. VCF-style: chr19-49836226-C-A. GRCh37 (hg19) VCF-style: chr19-50339483-C-A.
Other names: c.1966C>A, p.Pro656Thr (NM_001378355.1); short protein forms P656T.
Identifiers: ClinVar variation 329887 (VCV000329887.55), dbSNP rs199761611, ClinGen allele CA9585443.
Genomic context (GRCh38, chr19:49,836,226, plus strand): 5'-GTGTTGAGAGGTGGGGAGTCTCTACCAGGAGCCTCTGAGCCACTCTCTGTGTTCTCCCAG[C>A]CGCAGACTGGGGTGCCCCCACCCCAGGCCTCCCTCCACCACCTCCAGCCACCAGGGGCTC-3'
Protein context (NP_112235.2, residues 646-666): LRSLLLNPPP[Pro656Thr]QTGVPPPQAS